The following is an entry in ClinVar:

NM_000260.4(MYO7A):c.3951C>G (p.Asp1317Glu)

Gene: MYO7A (myosin VIIA; plus strand). Cytogenetic location: 11q13.5.
Variant type: single nucleotide variant.
Coding change: c.3951C>G on transcript NM_000260.4 (MANE Select); coding-DNA position 3951, C replaced by G.
Protein change: p.Asp1317Glu; replaces aspartic acid 1317 with glutamic acid.
Molecular consequence: missense variant.
Genome position (GRCh38, 1-based): chr11:77,192,077, C>G. VCF-style: chr11-77192077-C-G. GRCh37 (hg19) VCF-style: chr11-76903122-C-G.
Other names: c.3951C>G, p.Asp1317Glu (NM_001127180.2); c.3918C>G, p.Asp1306Glu (NM_001369365.1); short protein forms D1306E, D1317E.
Identifiers: ClinVar variation 1364180 (VCV001364180.9), dbSNP rs779917639, ClinGen allele CA6198271.
Genomic context (GRCh38, chr11:77,192,077, plus strand): 5'-TCTGTGCCTGCTCCCCTCCCCTCTGTGCCCACAGGTGTCCTCCCTGGGCAGCGGCAGTGA[C>G]CACGTCATGGACGCCATCTCCCAGTGCGAGCAGTACGCCAAGGAGCAGGGCGCCCAGGAG-3'
Protein context (NP_000251.3, residues 1307-1327): DKVSSLGSGS[Asp1317Glu]HVMDAISQCE

ClinVar aggregate classification (germline): Uncertain significance. Review status: criteria provided, multiple submitters, no conflicts (2 of 4 stars). 2 submissions from 2 submitters: Uncertain significance (2). Last evaluated 2023-11-19.

Allele frequency attached by ClinVar (database versions not stated): TOPMed below 0.00001; gnomAD exomes 0.00001; ExAC 0.00002.

Submissions (2):

Labcorp Genetics (formerly Invitae), Labcorp
Classification: Uncertain significance. Last evaluated: 2023-11-19. Review status: criteria provided, single submitter. Criteria: Invitae Variant Classification Sherloc (09022015). Collection method: clinical testing. Allele origin: germline.
Comment: This sequence change replaces aspartic acid, which is acidic and polar, with glutamic acid, which is acidic and polar, at codon 1317 of the MYO7A protein (p.Asp1317Glu). This variant is present in population databases (rs779917639, gnomAD 0.009%). This variant has not been reported in the literature in individuals affected with MYO7A-related conditions. ClinVar contains an entry for this variant (Variation ID: 1364180). Advanced modeling of protein sequence and biophysical properties (such as structural, functional, and spatial information, amino acid conservation, physicochemical variation, residue mobility, and thermodynamic stability) performed at Invitae indicates that this missense variant is not expected to disrupt MYO7A protein function with a negative predictive value of 95%. In summary, the available evidence is currently insufficient to determine the role of this variant in disease. Therefore, it has been classified as a Variant of Uncertain Significance.

GeneDx
Classification: Uncertain significance. Last evaluated: 2022-06-07. Review status: criteria provided, single submitter. Criteria: GeneDx Variant Classification Process June 2021. Collection method: clinical testing. Allele origin: germline. Affected: yes.
Comment: In silico analysis supports that this missense variant has a deleterious effect on protein structure/function; Has not been previously published as pathogenic or benign to our knowledge